The following is an entry in ClinVar:

NM_001035.3(RYR2):c.2614-299A>G

Gene: RYR2 (ryanodine receptor 2; plus strand). Cytogenetic location: 1q43.
Variant type: single nucleotide variant.
Coding change: c.2614-299A>G on transcript NM_001035.3 (MANE Select); 299 bases into the intron before coding-DNA position 2614, A replaced by G.
Molecular consequence: intron variant.
Genome position (GRCh38, 1-based): chr1:237,506,411, A>G. VCF-style: chr1-237506411-A-G. GRCh37 (hg19) VCF-style: chr1-237669711-A-G.
Identifiers: ClinVar variation 673373 (VCV000673373.1), dbSNP rs370237467, ClinGen allele CA39781990.

ClinVar aggregate classification (germline): Likely benign (1 of 4 stars; one submission).

Allele frequency attached by ClinVar (database versions not stated): gnomAD 0.00985 and 0.01023; TOPMed 0.01089; 1000 Genomes Project 0.01098; 1000 Genomes Project 30x 0.01468.
gnomAD v4.1: 1,492 of 152,094 alleles (0.98%); highest among the groups gnomAD compares: African/African-American, 3.2%; 29 homozygotes.

Submission:

GeneDx
Classification: Likely benign. Last evaluated: 2018-06-16. Review status: criteria provided, single submitter. Criteria: GeneDx Variant Classification (06012015). Collection method: clinical testing. Allele origin: germline. Affected: yes.
Comment: This variant is considered likely benign or benign based on one or more of the following criteria: it is a conservative change, it occurs at a poorly conserved position in the protein, it is predicted to be benign by multiple in silico algorithms, and/or has population frequency not consistent with disease.